The following is an entry in ClinVar:

ClinVar aggregate classification (germline): Likely benign. Review status: criteria provided, multiple submitters, no conflicts (2 of 4 stars). 2 submissions from 2 submitters: Likely benign (2). Last evaluated 2025-07-23.

Conditions:
Neurofibromatosis, type 1 (NF1). Also called: VON RECKLINGHAUSEN DISEASE; NEUROFIBROMATOSIS, TYPE I, SOMATIC; Peripheral type neurofibromatosis; Neurofibromatosis, type I. Identifiers: Orphanet 636, MedGen C0027831, MONDO:0018975, OMIM 162200. Disease mechanism: loss of function.

Submissions (2):

Labcorp Genetics (formerly Invitae), Labcorp
Classification: Likely benign for Neurofibromatosis, type 1. Last evaluated: 2025-07-23. Review status: criteria provided, single submitter. Criteria: Invitae Variant Classification Sherloc (09022015). Collection method: clinical testing. Allele origin: germline.

GeneDx
Classification: Likely benign. Last evaluated: 2018-06-07. Review status: criteria provided, single submitter. Criteria: GeneDx Variant Classification (06012015). Collection method: clinical testing. Allele origin: germline. Affected: yes.
Comment: This variant is considered likely benign or benign based on one or more of the following criteria: it is a conservative change, it occurs at a poorly conserved position in the protein, it is predicted to be benign by multiple in silico algorithms, and/or has population frequency not consistent with disease.

NM_001042492.3(NF1):c.4836-11A>G

Gene: NF1 (neurofibromin 1; plus strand). Cytogenetic location: 17q11.2.
Variant type: single nucleotide variant.
Coding change: c.4836-11A>G on transcript NM_001042492.3 (MANE Select); 11 bases into the intron before coding-DNA position 4836, A replaced by G.
Molecular consequence: intron variant.
Genome position (GRCh38, 1-based): chr17:31,325,809, A>G. VCF-style: chr17-31325809-A-G. GRCh37 (hg19) VCF-style: chr17-29652827-A-G.
Other names: c.4773-11A>G (NM_000267.4).
Identifiers: ClinVar variation 561734 (VCV000561734.2), dbSNP rs1437937029, ClinGen allele CA658824029.
Genomic context (GRCh38, chr17:31,325,809, plus strand): 5'-TGATTAGTGGCATCTGTATATTTATTTTAAACACTGCTAATAATCTTTGTCTTTTTTGTC[A>G]TTTTCCTTAGGTTCAAAACTGGTCAAATCAATGGTGATTTGCTGATATACCATGTCTTAC-3'